The following is an entry in ClinVar:

ClinVar aggregate classification (germline): Pathogenic (1 of 4 stars; one submission).

Conditions:
Intellectual disability, autosomal recessive 53 (NEDHSCA). Also called: GLYCOSYLPHOSPHATIDYLINOSITOL BIOSYNTHESIS DEFECT 13; Mental retardation, autosomal recessive 53; NEURODEVELOPMENTAL DISORDER WITH OR WITHOUT HYPOTONIA, SEIZURES, AND CEREBELLAR ATROPHY. Identifiers: Orphanet 488635, MedGen C4310794, MONDO:0014832, OMIM 616917.

Submission:

Labcorp Genetics (formerly Invitae), Labcorp
Classification: Pathogenic for Intellectual disability, autosomal recessive 53. Last evaluated: 2022-06-26. Review status: criteria provided, single submitter. Criteria: Invitae Variant Classification Sherloc (09022015). Collection method: clinical testing. Allele origin: germline.
Comment: This sequence change creates a premature translational stop signal (p.Pro815Argfs*3) in the PIGG gene. It is expected to result in an absent or disrupted protein product. Loss-of-function variants in PIGG are known to be pathogenic (PMID: 26996948, 28581210, 28771251). This variant is present in population databases (no rsID available, gnomAD 0.0009%). This variant has not been reported in the literature in individuals affected with PIGG-related conditions. For these reasons, this variant has been classified as Pathogenic.

Literature cited by the submitters: PubMed 26996948; PubMed 28581210; PubMed 28771251.

NM_001127178.3(PIGG):c.2444del (p.Pro815fs)

Gene: PIGG (phosphatidylinositol glycan anchor biosynthesis class G (EMM blood group); plus strand). Cytogenetic location: 4p16.3.
Variant type: Deletion.
Coding change: c.2444del on transcript NM_001127178.3 (MANE Select); coding-DNA position 2444, one base deleted (C; older notation c.2444delC).
Protein change: p.Pro815fs; shifts the reading frame from proline 815.
Molecular consequence: frameshift variant. On other transcripts: non-coding transcript variant (6).
Genome position (GRCh38, 1-based): chr4:530,618, C deleted; the last of 2 consecutive C bases (chr4:530,617-530,618); deleting either gives the same sequence. VCF-style (leftmost placement, unchanged base first): chr4-530616-TC-T. GRCh37 (hg19) VCF-style: chr4-524405-TC-T.
Other names: c.2177del, p.Pro726fs (NM_001289051.2, NM_001345986.2); c.2045del, p.Pro682fs (NM_001289052.2); c.2153del, p.Pro718fs (NM_001345987.2); c.1415del, p.Pro472fs (NM_001345988.2); c.911del, p.Pro304fs (NM_001345990.2, NM_001345991.2); c.1346del, p.Pro449fs (NM_001345994.2); c.2420del, p.Pro807fs (NM_017733.5); short protein forms P304fs, P718fs, P726fs, P807fs, P815fs, P449fs, P682fs, P472fs.
Identifiers: ClinVar variation 2112471 (VCV002112471.4), dbSNP rs1183515598, ClinGen allele CA549263069.
Genomic context (GRCh38, chr4:530,616, plus strand): 5'-ATGGGAGATATATAGTGGATTAGTTCTTCTGGCAGCCTTGCTCTTTAGACCACATAATCT[TC>T]CGGTCTTAGCATTTAGCCTCTTGATTCAGACTCTAATGACTAAATTCATCTGGAAGCCCC-3'